The following is an entry in ClinVar:

ClinVar aggregate classification (germline): Uncertain significance (1 of 4 stars; one submission).

Allele frequency attached by ClinVar (database versions not stated): gnomAD 0.00001; TOPMed 0.00002.
gnomAD v4.1: 4 of 1,613,892 alleles (0.00025%); highest among the groups gnomAD compares: African/African-American, 0.0027%; no homozygotes.

Submission:

Labcorp Genetics (formerly Invitae), Labcorp
Classification: Uncertain significance. Last evaluated: 2022-03-26. Review status: criteria provided, single submitter. Criteria: Invitae Variant Classification Sherloc (09022015). Collection method: clinical testing. Allele origin: germline.
Comment: In summary, the available evidence is currently insufficient to determine the role of this variant in disease. Therefore, it has been classified as a Variant of Uncertain Significance. Algorithms developed to predict the effect of missense changes on protein structure and function (SIFT, PolyPhen-2, Align-GVGD) all suggest that this variant is likely to be disruptive. This variant has not been reported in the literature in individuals affected with MBTPS1-related conditions. This variant is present in population databases (rs751889545, gnomAD 0.007%). This sequence change replaces alanine, which is neutral and non-polar, with threonine, which is neutral and polar, at codon 258 of the MBTPS1 protein (p.Ala258Thr).

NM_003791.4(MBTPS1):c.772G>A (p.Ala258Thr)

Gene: MBTPS1 (membrane bound transcription factor peptidase, site 1; minus strand). Cytogenetic location: 16q23.3.
Variant type: single nucleotide variant.
Coding change: c.772G>A on transcript NM_003791.4 (MANE Select); coding-DNA position 772, G replaced by A.
Protein change: p.Ala258Thr; replaces alanine 258 with threonine.
Molecular consequence: missense variant.
Genome position (GRCh38, 1-based): chr16:84,093,262, C>T on the plus strand (G>A on the coding strand, the complement: MBTPS1 is on the minus strand). VCF-style: chr16-84093262-C-T. GRCh37 (hg19) VCF-style: chr16-84126867-C-T.
Other names: short protein forms A258T.
Identifiers: ClinVar variation 1906842 (VCV001906842.5), dbSNP rs751889545, ClinGen allele CA8201634.